The following is an entry in ClinVar:

ClinVar aggregate classification (germline): Likely benign (0 of 4 stars; one submission).

Conditions:
WDPCP-related disorder. Also called: WDPCP-related condition.

gnomAD v4.1: 1 of 1,612,178 alleles (0.000062%); no homozygotes.

Submission:

PreventionGenetics, part of Exact Sciences
Classification: Likely benign for WDPCP-related condition. Last evaluated: 2019-07-24. Review status: no assertion criteria provided. Collection method: clinical testing. Allele origin: germline.
Comment: This variant is classified as likely benign based on ACMG/AMP sequence variant interpretation guidelines (Richards et al. 2015 PMID: 25741868, with internal and published modifications).

NM_015910.7(WDPCP):c.2088T>C (p.Ile696=)

Gene: WDPCP (WD repeat containing planar cell polarity effector; minus strand). Cytogenetic location: 2p15.
Variant type: single nucleotide variant.
Coding change: c.2088T>C on transcript NM_015910.7 (MANE Select); coding-DNA position 2088, T replaced by C.
Protein change: p.Ile696=; no amino-acid change (isoleucine 696 retained).
Molecular consequence: synonymous variant. On other transcripts: non-coding transcript variant (3).
Genome position (GRCh38, 1-based): chr2:63,153,565, A>G on the plus strand (T>C on the coding strand, the complement: WDPCP is on the minus strand). VCF-style: chr2-63153565-A-G. GRCh37 (hg19) VCF-style: chr2-63380700-A-G.
Other names: c.1611T>C, p.Ile537= (NM_001042692.3); c.2016T>C, p.Ile672= (NM_001354044.2).
Identifiers: ClinVar variation 3043097 (VCV003043097.2), dbSNP rs2469145350, ClinGen allele CA426382579.